The following is an entry in ClinVar:

ClinVar aggregate classification (germline): Pathogenic (1 of 4 stars; one submission).

Submission:

Labcorp Genetics (formerly Invitae), Labcorp
Classification: Pathogenic. Last evaluated: 2022-05-16. Review status: criteria provided, single submitter. Criteria: Invitae Variant Classification Sherloc (09022015). Collection method: clinical testing. Allele origin: germline.
Comment: This sequence change creates a premature translational stop signal (p.Phe1850Leufs*41) in the CHD8 gene. It is expected to result in an absent or disrupted protein product. Loss-of-function variants in CHD8 are known to be pathogenic (PMID: 24998929, 26789910). This variant is not present in population databases (gnomAD no frequency). This variant has not been reported in the literature in individuals affected with CHD8-related conditions. For these reasons, this variant has been classified as Pathogenic.

Literature cited by the submitters: PubMed 24998929; PubMed 26789910.

NM_001170629.2(CHD8):c.5547del (p.Phe1850fs)

Gene: CHD8 (chromodomain helicase DNA binding protein 8; minus strand). Cytogenetic location: 14q11.2.
Variant type: Deletion.
Coding change: c.5547del on transcript NM_001170629.2 (MANE Select); coding-DNA position 5547, one base deleted (C; older notation c.5547delC).
Protein change: p.Phe1850fs; shifts the reading frame from phenylalanine 1850.
Molecular consequence: frameshift variant.
Genome position (GRCh38, 1-based): chr14:21,394,329, G deleted on the plus strand (C on the coding strand, the reverse complement: CHD8 is on the minus strand). VCF-style (leftmost placement, unchanged base first): chr14-21394328-AG-A. GRCh37 (hg19) VCF-style: chr14-21862487-AG-A.
Other names: c.4710del, p.Phe1571fs (NM_020920.4); short protein forms F1850fs, F1571fs.
Identifiers: ClinVar variation 1995321 (VCV001995321.4), dbSNP rs2501859414, ClinGen allele CA2580087813.